The following is an entry in ClinVar:

NM_001127208.3(TET2):c.401G>A (p.Gly134Asp)

Genes: TET2 (tet methylcytosine dioxygenase 2; plus strand), TET2-AS1 (TET2 antisense RNA 1; minus strand). Cytogenetic location: 4q24.
Variant type: single nucleotide variant.
Coding change: c.401G>A on transcript NM_001127208.3 (MANE Select); coding-DNA position 401, G replaced by A.
Protein change: p.Gly134Asp; replaces glycine 134 with aspartic acid.
Molecular consequence: missense variant.
Genome position (GRCh38, 1-based): chr4:105,234,343, G>A. VCF-style: chr4-105234343-G-A. GRCh37 (hg19) VCF-style: chr4-106155500-G-A.
Other names: c.401G>A, p.Gly134Asp (NM_017628.4); short protein forms G134D.
Identifiers: ClinVar variation 4594255 (VCV004594255.2).

ClinVar aggregate classification (germline): Uncertain significance (1 of 4 stars; one submission).

Submission:

Ambry Genetics
Classification: Uncertain significance. Last evaluated: 2026-09-12. Review status: criteria provided, single submitter. Criteria: Ambry Variant Classification Scheme 2023. Collection method: clinical testing. Allele origin: germline.
Comment: The p.G134D variant (also known as c.401G>A), located in coding exon 1 of the TET2 gene, results from a G to A substitution at nucleotide position 401. The glycine at codon 134 is replaced by aspartic acid, an amino acid with similar properties. This amino acid position is conserved. In addition, this alteration is predicted to be tolerated by in silico analysis. Based on the available evidence, the clinical significance of this variant remains unclear.